The following is an entry in ClinVar:

NM_000391.4(TPP1):c.508+17G>A

Gene: TPP1 (tripeptidyl peptidase 1; minus strand). Cytogenetic location: 11p15.4.
Variant type: single nucleotide variant.
Coding change: c.508+17G>A on transcript NM_000391.4 (MANE Select); 17 bases into the intron after coding-DNA position 508, G replaced by A.
Molecular consequence: intron variant.
Genome position (GRCh38, 1-based): chr11:6,617,284, C>T on the plus strand (G>A on the coding strand, the complement: TPP1 is on the minus strand). VCF-style: chr11-6617284-C-T. GRCh37 (hg19) VCF-style: chr11-6638515-C-T.
Identifiers: ClinVar variation 3694563 (VCV003694563.1).

ClinVar aggregate classification (germline): Uncertain significance (1 of 4 stars; one submission).

gnomAD v4.1: 3 of 1,613,950 alleles (0.00019%); highest among the groups gnomAD compares: Admixed American, 0.0017%; no homozygotes.

Submission:

Labcorp Genetics (formerly Invitae), Labcorp
Classification: Uncertain significance. Last evaluated: 2024-11-18. Review status: criteria provided, single submitter. Criteria: Invitae Variant Classification Sherloc (09022015). Collection method: clinical testing. Allele origin: germline.
Comment: This sequence change falls in intron 5 of the TPP1 gene. It does not directly change the encoded amino acid sequence of the TPP1 protein. This variant is present in population databases (no rsID available, gnomAD 0.004%). This variant has not been reported in the literature in individuals affected with TPP1-related conditions. Algorithms developed to predict the effect of sequence changes on RNA splicing suggest that this variant may create or strengthen a splice site. In summary, the available evidence is currently insufficient to determine the role of this variant in disease. Therefore, it has been classified as a Variant of Uncertain Significance.